The following is an entry in ClinVar:

ClinVar aggregate classification (germline): Uncertain significance (1 of 4 stars; one submission).

Conditions:
Intellectual developmental disorder, autosomal dominant 56. Also called: MENTAL RETARDATION, AUTOSOMAL DOMINANT 56; Intellectual disability, autosomal dominant 56. Identifiers: MedGen C4693389, MONDO:0030922, OMIM 617854.

Submission:

3billion
Classification: Uncertain significance for Intellectual developmental disorder, autosomal dominant 56. Last evaluated: 2025-05-23. Review status: criteria provided, single submitter. Criteria: ACMG Guidelines, 2015. Collection method: clinical testing. Allele origin: germline. Affected: yes.
Comment: The variant is not observed in the gnomAD v4.1.0 dataset. Predicted Consequence/Location: Intron variant In silico tools predict the variant to alter splicing and produce an abnormal transcript [SpliceAI: 0.32 (>=0.2, moderate evidence for spliceogenicity)]. Therefore, this variant is classified as VUS according to the recommendation of ACMG/AMP guideline.

NM_004859.4(CLTC):c.2293-917C>G

Gene: CLTC (clathrin heavy chain; plus strand). Cytogenetic location: 17q23.1.
Variant type: single nucleotide variant.
Coding change: c.2293-917C>G on transcript NM_004859.4 (MANE Select); 917 bases into the intron before coding-DNA position 2293, C replaced by G.
Molecular consequence: intron variant.
Genome position (GRCh38, 1-based): chr17:59,672,730, C>G. VCF-style: chr17-59672730-C-G. GRCh37 (hg19) VCF-style: chr17-57750091-C-G.
Other names: c.2305-917C>G (NM_001288653.2).
Identifiers: ClinVar variation 4854813 (VCV004854813.1).
Genomic context (GRCh38, chr17:59,672,730, plus strand): 5'-TACCTTGGTGTTCTTGGGACACTTCATAGACTAGTCTTCGTATTATTTATAATCGAGTAA[C>G]TAATATCCCCTAGTCTCAGGAGCCATTTAATTCTAACCTTGAAAATAATGTTCTTAGTGG-3'